The following is an entry in ClinVar:

NM_005215.4(DCC):c.3931C>T (p.Pro1311Ser)

Gene: DCC (DCC netrin 1 receptor; plus strand). Cytogenetic location: 18q21.2.
Variant type: single nucleotide variant.
Coding change: c.3931C>T on transcript NM_005215.4 (MANE Select); coding-DNA position 3931, C replaced by T.
Protein change: p.Pro1311Ser; replaces proline 1311 with serine.
Molecular consequence: missense variant.
Genome position (GRCh38, 1-based): chr18:53,499,330, C>T. VCF-style: chr18-53499330-C-T. GRCh37 (hg19) VCF-style: chr18-51025700-C-T.
Other names: short protein forms P1311S.
Identifiers: ClinVar variation 1313242 (VCV001313242.2), dbSNP rs2144445734, ClinGen allele CA402516445.

ClinVar aggregate classification (germline): Uncertain significance (1 of 4 stars; one submission).

Allele frequency attached by ClinVar (database versions not stated): gnomAD exomes below 0.00001.
gnomAD v4.1: 1 of 1,614,082 alleles (0.000062%); highest among the groups gnomAD compares: Non-Finnish European, 0.000085%; no homozygotes.

Submission:

GeneDx
Classification: Uncertain significance. Last evaluated: 2020-10-08. Review status: criteria provided, single submitter. Criteria: GeneDx Variant Classification Process June 2021. Collection method: clinical testing. Allele origin: germline. Affected: yes.
Comment: Not observed in large population cohorts (Lek et al., 2016); In silico analysis supports that this missense variant does not alter protein structure/function; Has not been previously published as pathogenic or benign to our knowledge